The following is an entry in ClinVar:

NM_002485.5(NBN):c.330dup (p.Glu111Ter)

Gene: NBN (nibrin; minus strand). Cytogenetic location: 8q21.3.
Variant type: Duplication.
Coding change: c.330dup on transcript NM_002485.5 (MANE Select); coding-DNA position 330, one base duplicated (T; older notation c.330dupT).
Protein change: p.Glu111Ter; replaces glutamic acid 111 with a stop codon.
Molecular consequence: nonsense.
Genome position (GRCh38, 1-based): chr8:89,980,884, A duplicated on the plus strand (T on the coding strand, the reverse complement: NBN is on the minus strand). VCF-style (leftmost placement, unchanged base first): chr8-89980883-C-CA. GRCh37 (hg19) VCF-style: chr8-90993111-C-CA.
Other names: c.84dup, p.Glu29Ter (NM_001024688.3); short protein forms E111*, E29*.
Identifiers: ClinVar variation 1432724 (VCV001432724.6), dbSNP rs2129910887, ClinGen allele CA2573143453.

ClinVar aggregate classification (germline): Pathogenic (1 of 4 stars; one submission).

Conditions:
Microcephaly, normal intelligence and immunodeficiency (NBS). Also called: Ataxia telangiectasia variant V1; IMMUNODEFICIENCY, MICROCEPHALY, AND CHROMOSOMAL INSTABILITY; BERLIN BREAKAGE SYNDROME; Immunodeficiency, microcephaly with normal intelligence; SEEMANOVA SYNDROME II; Nijmegen breakage syndrome. Identifiers: Orphanet 647, MedGen C0398791, MONDO:0009623, OMIM 251260.

Submission:

Labcorp Genetics (formerly Invitae), Labcorp
Classification: Pathogenic for Microcephaly, normal intelligence and immunodeficiency. Last evaluated: 2021-09-29. Review status: criteria provided, single submitter. Criteria: Invitae Variant Classification Sherloc (09022015). Collection method: clinical testing. Allele origin: germline.
Comment: For these reasons, this variant has been classified as Pathogenic. This variant has not been reported in the literature in individuals with NBN-related conditions. This variant is not present in population databases (ExAC no frequency). This sequence change creates a premature translational stop signal (p.Glu111*) in the NBN gene. It is expected to result in an absent or disrupted protein product. Loss-of-function variants in NBN are known to be pathogenic (PMID: 9590180, 16415040).

Literature cited by the submitters: PubMed 9590180; PubMed 16415040.